The following is an entry in ClinVar:

ClinVar aggregate classification (germline): Pathogenic (1 of 4 stars; one submission).

Conditions:
Pierpont syndrome (PRPTS). Identifiers: Orphanet 487825, MedGen C1865644, MONDO:0011213, OMIM 602342.

Submission:

Greenwood Genetic Center Diagnostic Laboratories, Greenwood Genetic Center
Classification: Pathogenic for Pierpont syndrome. Last evaluated: 2022-08-17. Review status: criteria provided, single submitter. Criteria: ACMG Guidelines, 2015. Collection method: clinical testing. Allele origin: germline. Affected: yes.
Comment: PVS1 PS2 PM2

NM_024665.7(TBL1XR1):c.64dup (p.Ser22fs)

Gene: TBL1XR1 (TBL1X/Y related 1; minus strand). Cytogenetic location: 3q26.32.
Variant type: Duplication.
Coding change: c.64dup on transcript NM_024665.7 (MANE Select); coding-DNA position 64, one base duplicated (T; older notation c.64dupT).
Protein change: p.Ser22fs; shifts the reading frame from serine 22.
Molecular consequence: frameshift variant. On other transcripts: 5 prime UTR variant (2).
Genome position (GRCh38, 1-based): chr3:177,053,913, A duplicated on the plus strand (T on the coding strand, the reverse complement: TBL1XR1 is on the minus strand); the first of 4 consecutive A bases (chr3:177,053,913-177,053,916); duplicating any one gives the same sequence. VCF-style (leftmost placement, unchanged base first): chr3-177053912-G-GA. GRCh37 (hg19) VCF-style: chr3-176771700-G-GA.
Other names: c.64dup, p.Ser22fs (NM_001321193.3, NM_001321194.3, NM_001374327.1 and 2 more transcripts); c.-198dup (NM_001321195.3, NM_001374330.1); short protein forms S22fs.
Identifiers: ClinVar variation 1710357 (VCV001710357.3), dbSNP rs2473748067, ClinGen allele CA2580069091.